The following is an entry in ClinVar:

ClinVar aggregate classification (germline): Uncertain significance. Review status: criteria provided, multiple submitters, no conflicts (2 of 4 stars). 2 submissions from 2 submitters: Uncertain significance (2). Last evaluated 2025-11-24.

Conditions:
Inborn genetic diseases. Identifiers: MedGen C0950123, MeSH D030342.

gnomAD v4.1: 8 of 1,602,476 alleles (0.0005%); highest among the groups gnomAD compares: Admixed American, 0.0017%; no homozygotes.

Submissions (2):

Ambry Genetics
Classification: Uncertain significance for Inborn genetic diseases. Last evaluated: 2025-11-24. Review status: criteria provided, single submitter. Criteria: Ambry Variant Classification Scheme 2023. Collection method: clinical testing. Allele origin: germline.

GeneDx
Classification: Uncertain significance. Last evaluated: 2023-06-15. Review status: criteria provided, single submitter. Criteria: GeneDx Variant Classification Process June 2021. Collection method: clinical testing. Allele origin: germline. Affected: yes.
Comment: Has not been previously published as pathogenic or benign to our knowledge; In silico analysis supports that this missense variant has a deleterious effect on protein structure/function

NM_198488.5(FAM83H):c.1262A>C (p.Glu421Ala)

Gene: FAM83H (family with sequence similarity 83 member H; minus strand). Cytogenetic location: 8q24.3.
Variant type: single nucleotide variant.
Coding change: c.1262A>C on transcript NM_198488.5 (MANE Select); coding-DNA position 1262, A replaced by C.
Protein change: p.Glu421Ala; replaces glutamic acid 421 with alanine.
Molecular consequence: missense variant.
Genome position (GRCh38, 1-based): chr8:143,728,199, T>G on the plus strand (A>C on the coding strand, the complement: FAM83H is on the minus strand). VCF-style: chr8-143728199-T-G. GRCh37 (hg19) VCF-style: chr8-144810369-T-G.
Other names: short protein forms E421A.
Identifiers: ClinVar variation 3359964 (VCV003359964.2).